The following is an entry in ClinVar:

ClinVar aggregate classification (germline): Uncertain significance. Review status: criteria provided, multiple submitters, no conflicts (2 of 4 stars). 3 submissions from 3 submitters: Uncertain significance (3). Last evaluated 2024-12-02.

Conditions:
Inborn genetic diseases. Identifiers: MedGen C0950123, MeSH D030342.

Allele frequency attached by ClinVar (database versions not stated): gnomAD exomes 0.00001 and 0.00002; ExAC 0.00002; gnomAD 0.00009; 1000 Genomes Project 30x 0.00016; TOPMed 0.00016; 1000 Genomes Project 0.00020.
gnomAD v4.1: 30 of 1,614,182 alleles (0.0019%); highest among the groups gnomAD compares: African/African-American, 0.037%; no homozygotes.

Submissions (3):

Labcorp Genetics (formerly Invitae), Labcorp
Classification: Uncertain significance. Last evaluated: 2024-12-02. Review status: criteria provided, single submitter. Criteria: Invitae Variant Classification Sherloc (09022015). Collection method: clinical testing. Allele origin: germline.
Comment: This sequence change replaces asparagine, which is neutral and polar, with serine, which is neutral and polar, at codon 804 of the PDE6A protein (p.Asn804Ser). This variant is present in population databases (rs138949704, gnomAD 0.03%). This variant has not been reported in the literature in individuals affected with PDE6A-related conditions. ClinVar contains an entry for this variant (Variation ID: 858057). Invitae Evidence Modeling of protein sequence and biophysical properties (such as structural, functional, and spatial information, amino acid conservation, physicochemical variation, residue mobility, and thermodynamic stability) indicates that this missense variant is not expected to disrupt PDE6A protein function with a negative predictive value of 95%. In summary, the available evidence is currently insufficient to determine the role of this variant in disease. Therefore, it has been classified as a Variant of Uncertain Significance.

Ambry Genetics
Classification: Uncertain significance for Inborn genetic diseases. Last evaluated: 2024-01-23. Review status: criteria provided, single submitter. Criteria: Ambry Variant Classification Scheme 2023. Collection method: clinical testing. Allele origin: germline.

Blueprint Genetics
Classification: Uncertain significance. Last evaluated: 2023-04-27. Review status: criteria provided, single submitter. Criteria: ACMG Guidelines, 2015. Collection method: clinical testing. Allele origin: germline.

NM_000440.3(PDE6A):c.2411A>G (p.Asn804Ser)

Gene: PDE6A (phosphodiesterase 6A; minus strand). Cytogenetic location: 5q32.
Variant type: single nucleotide variant.
Coding change: c.2411A>G on transcript NM_000440.3 (MANE Select); coding-DNA position 2411, A replaced by G.
Protein change: p.Asn804Ser; replaces asparagine 804 with serine.
Molecular consequence: missense variant.
Genome position (GRCh38, 1-based): chr5:149,863,214, T>C on the plus strand (A>G on the coding strand, the complement: PDE6A is on the minus strand). VCF-style: chr5-149863214-T-C. GRCh37 (hg19) VCF-style: chr5-149242777-T-C.
Other names: short protein forms N804S.
Identifiers: ClinVar variation 858057 (VCV000858057.8), dbSNP rs138949704, ClinGen allele CA3504283.